The following is an entry in ClinVar:

ClinVar aggregate classification (germline): Likely benign. Review status: criteria provided, multiple submitters, no conflicts (2 of 4 stars). 2 submissions from 2 submitters: Likely benign (2). Last evaluated 2026-01-01.

Conditions:
Predisposition to invasive fungal disease due to CARD9 deficiency (IMD103). Also called: Candidiasis, familial, 2, autosomal recessive; IMMUNODEFICIENCY 103, SUSCEPTIBILITY TO FUNGAL INFECTIONS; CARD9 IMMUNODEFICIENCY. Identifiers: Orphanet 457088, MedGen C1859353, MONDO:0008905, OMIM 212050.

Allele frequency attached by ClinVar (database versions not stated): ExAC 0.00002; TOPMed 0.00003; gnomAD 0.00004 and 0.00005.

Submissions (2):

CeGaT Center for Human Genetics Tuebingen
Classification: Likely benign. Last evaluated: 2026-01-01. Review status: criteria provided, single submitter. Criteria: CeGaT Center For Human Genetics Tuebingen Variant Classification Criteria Version 2. Collection method: clinical testing. Allele origin: germline. Affected: yes. Observed: 1 variant allele.
Comment: CARD9: BP4, BP7

Labcorp Genetics (formerly Invitae), Labcorp
Classification: Likely benign for Predisposition to invasive fungal disease due to CARD9 deficiency. Last evaluated: 2024-02-23. Review status: criteria provided, single submitter. Criteria: Invitae Variant Classification Sherloc (09022015). Collection method: clinical testing. Allele origin: germline.

NM_052813.5(CARD9):c.1263C>T (p.Leu421=)

Gene: CARD9 (caspase recruitment domain family member 9; minus strand). Cytogenetic location: 9q34.3.
Variant type: single nucleotide variant.
Coding change: c.1263C>T on transcript NM_052813.5 (MANE Select); coding-DNA position 1263, C replaced by T.
Protein change: p.Leu421=; no amino-acid change (leucine 421 retained).
Molecular consequence: synonymous variant.
Genome position (GRCh38, 1-based): chr9:136,367,643, G>A on the plus strand (C>T on the coding strand, the complement: CARD9 is on the minus strand). VCF-style: chr9-136367643-G-A. GRCh37 (hg19) VCF-style: chr9-139262095-G-A.
Other names: c.1263C>T, p.Leu421= (NM_052814.4).
Identifiers: ClinVar variation 1139963 (VCV001139963.13), dbSNP rs559114246, ClinGen allele CA5332781.